The following is an entry in ClinVar:

NM_153766.3(KCNJ1):c.1034A>G (p.Asp345Gly)

Gene: KCNJ1 (potassium inwardly rectifying channel subfamily J member 1; minus strand). Cytogenetic location: 11q24.3.
Variant type: single nucleotide variant.
Coding change: c.1034A>G on transcript NM_153766.3 (MANE Select); coding-DNA position 1034, A replaced by G.
Protein change: p.Asp345Gly; replaces aspartic acid 345 with glycine.
Molecular consequence: missense variant.
Genome position (GRCh38, 1-based): chr11:128,839,210, T>C on the plus strand (A>G on the coding strand, the complement: KCNJ1 is on the minus strand). VCF-style: chr11-128839210-T-C. GRCh37 (hg19) VCF-style: chr11-128709105-T-C.
Other names: c.1091A>G, p.Asp364Gly (NM_000220.6); c.1034A>G, p.Asp345Gly (NM_153764.3, NM_153767.4); c.1085A>G, p.Asp362Gly (NM_153765.3); c.1091A>G (NM_000220.2, NM_000220.4); short protein forms D345G, D362G, D364G.
Identifiers: ClinVar variation 235615 (VCV000235615.9), dbSNP rs748305494, ClinGen allele CA6357392.

ClinVar aggregate classification (germline): Uncertain significance. Review status: criteria provided, multiple submitters, no conflicts (2 of 4 stars). 5 submissions from 5 submitters: Uncertain significance (4). 1 of the submissions does not count toward it. Last evaluated 2026-06-10.

Conditions:
KCNJ1-related disorder. Also called: KCNJ1-related condition.
Bartter disease type 2. Also called: HYPOKALEMIC ALKALOSIS WITH HYPERCALCIURIA 2, ANTENATAL; HYPERPROSTAGLANDIN E SYNDROME 2; Bartter syndrome, type 2, antenatal. Identifiers: Orphanet 112, Orphanet 620220, MedGen C1855849, MONDO:0009424, OMIM 241200.
Inborn genetic diseases. Identifiers: MedGen C0950123, MeSH D030342.

Allele frequency attached by ClinVar (database versions not stated): gnomAD 0.00011 and 0.00013; TOPMed 0.00021.
gnomAD v4.1: 165 of 1,614,060 alleles (0.01%); highest among the groups gnomAD compares: Middle Eastern, 0.049%; 1 homozygote.

Submissions (5):

Ambry Genetics
Classification: Uncertain significance for Inborn genetic diseases. Last evaluated: 2026-06-10. Review status: criteria provided, single submitter. Criteria: Ambry Variant Classification Scheme 2023. Collection method: clinical testing. Allele origin: germline.
Comment: The c.1091A>G (p.D364G) alteration is located in exon 2 (coding exon 2) of the KCNJ1 gene. This alteration results from a A to G substitution at nucleotide position 1091, causing the aspartic acid (D) at amino acid position 364 to be replaced by a glycine (G). Based on data from the Genome Aggregation Database (gnomAD) database, the KCNJ1 c.1091A>G alteration was observed in 0.01% (26/282760) of total alleles studied. This amino acid position is not well conserved in available vertebrate species. The p.D364G alteration is predicted to be tolerated by in silico analysis. Based on insufficient or conflicting evidence, the clinical significance of this alteration remains unclear.

Blueprint Genetics
Classification: Uncertain significance. Last evaluated: 2024-08-06. Review status: criteria provided, single submitter. Criteria: ACMG Guidelines, 2015. Collection method: clinical testing. Allele origin: germline.

Fulgent Genetics
Classification: Uncertain significance for Bartter disease type 2. Last evaluated: 2022-05-16. Review status: criteria provided, single submitter. Criteria: ACMG Guidelines, 2015. Collection method: clinical testing. Allele origin: unknown.

Center for Pediatric Genomic Medicine, Children's Mercy Hospital and Clinics
Classification: Uncertain significance. Last evaluated: 2015-05-29. Review status: criteria provided, single submitter. Criteria: ACMG Guidelines, 2015. Collection method: clinical testing. Allele origin: germline.
ClinVar note: Converted during submission from Uncertain Significance to Uncertain significance.

PreventionGenetics, part of Exact Sciences
Classification: Uncertain significance for KCNJ1-related condition. Last evaluated: 2024-04-11. Review status: no assertion criteria provided. Collection method: clinical testing. Allele origin: germline. Not counted in ClinVar's aggregate classification.
Comment: The KCNJ1 c.1091A>G variant is predicted to result in the amino acid substitution p.Asp364Gly. To our knowledge, this variant has not been reported in the literature. This variant is reported in 0.029% of alleles in individuals of Ashkenazi Jewish descent in gnomAD. At this time, the clinical significance of this variant is uncertain due to the absence of conclusive functional and genetic evidence.

Literature cited by the submitters: PubMed 28106320 (cited by Ambry Genetics).